The following is an entry in ClinVar:

ClinVar aggregate classification (germline): Pathogenic (1 of 4 stars; one submission).

Conditions:
Fraser syndrome 1 (FRASRS1). Also called: CRYPTOPHTHALMOS WITH OTHER MALFORMATIONS. Identifiers: Orphanet 2052, MedGen C4551480, MONDO:0054737, OMIM 219000.

Submission:

Service de Biochimie Médicale et Biologie Moléculaire, CHU Clermont-Ferrand
Classification: Pathogenic for Fraser syndrome 1. Last evaluated: 2018-09-14. Review status: criteria provided, single submitter. Criteria: ACMG Guidelines, 2015. Collection method: clinical testing. Allele origin: inherited. Inheritance: Autosomal recessive inheritance. Affected: yes.
Comment: This variant in homozygous state or compound heterozygous state induced Fraser syndrome phenotype

NM_025074.7(FRAS1):c.9466G>T (p.Glu3156Ter)

Gene: FRAS1 (Fraser extracellular matrix complex subunit 1; plus strand). Cytogenetic location: 4q21.21.
Variant type: single nucleotide variant.
Coding change: c.9466G>T on transcript NM_025074.7 (MANE Select); coding-DNA position 9466, G replaced by T.
Protein change: p.Glu3156Ter; replaces glutamic acid 3156 with a stop codon.
Molecular consequence: nonsense.
Genome position (GRCh38, 1-based): chr4:78,507,570, G>T. VCF-style: chr4-78507570-G-T. GRCh37 (hg19) VCF-style: chr4-79428724-G-T.
Other names: short protein forms E3156*.
Identifiers: ClinVar variation 916661 (VCV000916661.1), dbSNP rs1227013948, ClinGen allele CA357379428.